The following is an entry in ClinVar:

NM_001376.5(DYNC1H1):c.3495T>C (p.Asp1165=)

Gene: DYNC1H1 (dynein cytoplasmic 1 heavy chain 1; plus strand). Cytogenetic location: 14q32.31.
Variant type: single nucleotide variant.
Coding change: c.3495T>C on transcript NM_001376.5 (MANE Select); coding-DNA position 3495, T replaced by C.
Protein change: p.Asp1165=; no amino-acid change (aspartic acid 1165 retained).
Molecular consequence: synonymous variant.
Genome position (GRCh38, 1-based): chr14:101,995,231, T>C. VCF-style: chr14-101995231-T-C. GRCh37 (hg19) VCF-style: chr14-102461568-T-C.
Identifiers: ClinVar variation 312626 (VCV000312626.29), dbSNP rs144359313, ClinGen allele CA7352031.

ClinVar aggregate classification (germline): Benign/Likely benign. Review status: criteria provided, multiple submitters, no conflicts (2 of 4 stars). 7 submissions from 6 submitters: Benign (3); Likely benign (4). Last evaluated 2025-12-15.

Conditions:
Autosomal dominant cerebellar ataxia. Also called: Spinocerebellar Ataxia, Dominant. Identifiers: Orphanet 99, MedGen C4087347, MONDO:0020380.
Inborn genetic diseases. Identifiers: MedGen C0950123, MeSH D030342.
Charcot-Marie-Tooth disease axonal type 2O. Also called: Charcot-Marie-Tooth Neuropathy Type 2O; Charcot-Marie-Tooth disease, axonal, type 20; CHARCOT-MARIE-TOOTH NEUROPATHY, AXONAL, TYPE 2O; CHARCOT-MARIE-TOOTH DISEASE, AXONAL, AUTOSOMAL DOMINANT, TYPE 2O. Identifiers: Orphanet 284232, MedGen C3280220, MONDO:0013644, OMIM 614228.

Allele frequency attached by ClinVar (database versions not stated): gnomAD exomes 0.00004 and 0.00012; ExAC 0.00016; 1000 Genomes Project 0.00040; 1000 Genomes Project 30x 0.00047; gnomAD 0.00058 and 0.00063; TOPMed 0.00068; ESP Exome Variant Server 0.00077.
gnomAD v4.1: 147 of 1,614,236 alleles (0.0091%); highest among the groups gnomAD compares: African/African-American, 0.18%; 1 homozygote.

Submissions (7):

Labcorp Genetics (formerly Invitae), Labcorp
Classification: Benign for Charcot-Marie-Tooth disease axonal type 2O. Last evaluated: 2025-12-15. Review status: criteria provided, single submitter. Criteria: Invitae Variant Classification Sherloc (09022015). Collection method: clinical testing. Allele origin: germline.

CeGaT Center for Human Genetics Tuebingen
Classification: Likely benign. Last evaluated: 2025-11-01. Review status: criteria provided, single submitter. Criteria: CeGaT Center For Human Genetics Tuebingen Variant Classification Criteria Version 2. Collection method: clinical testing. Allele origin: germline. Affected: yes. Observed: 1 variant allele.
Comment: DYNC1H1: BP4, BP7

Blueprint Genetics
Classification: Likely benign. Last evaluated: 2024-01-10. Review status: criteria provided, single submitter. Criteria: ACMG Guidelines, 2015. Collection method: clinical testing. Allele origin: germline.

GeneDx
Classification: Benign. Last evaluated: 2021-03-22. Review status: criteria provided, single submitter. Criteria: GeneDx Variant Classification Process June 2021. Collection method: clinical testing. Allele origin: germline. Affected: yes.

Illumina Laboratory Services, Illumina
Classification: Likely benign for Charcot-Marie-Tooth disease axonal type 2O. Last evaluated: 2018-01-13. Review status: criteria provided, single submitter. Criteria: ICSL Variant Classification Criteria 13 December 2019. Collection method: clinical testing. Allele origin: germline.
Comment: This variant was observed in the ICSL laboratory as part of a predisposition screen in an ostensibly healthy population. It had not been previously curated by ICSL or reported in the Human Gene Mutation Database (HGMD: prior to June 1st, 2018), and was therefore a candidate for classification through an automated scoring system. Utilizing variant allele frequency, disease prevalence and penetrance estimates, and inheritance mode, an automated score was calculated to assess if this variant is too frequent to cause the disease. Based on the score and internal cut-off values, a variant classified as likely benign is not then subjected to further curation. The score for this variant resulted in a classification of likely benign for this disease.

Illumina Laboratory Services, Illumina
Classification: Benign for Spinocerebellar Ataxia, Dominant. Last evaluated: 2018-01-13. Review status: criteria provided, single submitter. Criteria: ICSL Variant Classification Criteria 13 December 2019. Collection method: clinical testing. Allele origin: germline.
Comment: This variant was observed in the ICSL laboratory as part of a predisposition screen in an ostensibly healthy population. It had not been previously curated by ICSL or reported in the Human Gene Mutation Database (HGMD: prior to June 1st, 2018), and was therefore a candidate for classification through an automated scoring system. Utilizing variant allele frequency, disease prevalence and penetrance estimates, and inheritance mode, an automated score was calculated to assess if this variant is too frequent to cause the disease. Based on the score and internal cut-off values, a variant classified as benign is not then subjected to further curation. The score for this variant resulted in a classification of benign for this disease.

Ambry Genetics
Classification: Likely benign for Inborn genetic diseases. Last evaluated: 2016-06-27. Review status: criteria provided, single submitter. Criteria: Ambry Variant Classification Scheme 2023. Collection method: clinical testing. Allele origin: germline.